The following is an entry in ClinVar:

ClinVar aggregate classification (germline): Benign. Review status: criteria provided, multiple submitters, no conflicts (2 of 4 stars). 2 submissions from 2 submitters: Benign (2). Last evaluated 2018-01-13.

Conditions:
Methylmalonate semialdehyde dehydrogenase deficiency (MMSDHD). Also called: MMSDH DEFICIENCY. Identifiers: Orphanet 289307, MedGen C3279840, MONDO:0013579, OMIM 614105.

Allele frequency attached by ClinVar (database versions not stated): gnomAD 0.01632 and 0.01755; TOPMed 0.01850; 1000 Genomes Project 0.02077; 1000 Genomes Project 30x 0.02249.

Submissions (2):

Illumina Laboratory Services, Illumina
Classification: Benign for Methylmalonate semialdehyde dehydrogenase deficiency. Last evaluated: 2018-01-13. Review status: criteria provided, single submitter. Criteria: ICSL Variant Classification Criteria 13 December 2019. Collection method: clinical testing. Allele origin: germline.
Comment: This variant was observed in the ICSL laboratory as part of a predisposition screen in an ostensibly healthy population. It had not been previously curated by ICSL or reported in the Human Gene Mutation Database (HGMD: prior to June 1st, 2018), and was therefore a candidate for classification through an automated scoring system. Utilizing variant allele frequency, disease prevalence and penetrance estimates, and inheritance mode, an automated score was calculated to assess if this variant is too frequent to cause the disease. Based on the score and internal cut-off values, a variant classified as benign is not then subjected to further curation. The score for this variant resulted in a classification of benign for this disease.

Breakthrough Genomics
Classification: Benign. Review status: criteria provided, single submitter. Criteria: ACMG Guidelines, 2015. Collection method: not provided. Allele origin: germline. Inheritance: Autosomal recessive inheritance. Affected: yes.

NM_005589.4(ALDH6A1):c.*2361G>A

Genes: ALDH6A1 (aldehyde dehydrogenase 6 family member A1; minus strand), BBOF1 (basal body orientation factor 1; plus strand). Cytogenetic location: 14q24.3.
Variant type: single nucleotide variant.
Coding change: c.*2361G>A on transcript NM_005589.4 (MANE Select); 2361 bases downstream of the stop codon, G replaced by A.
Molecular consequence: 3 prime UTR variant. On other transcripts: intron variant (1).
Genome position (GRCh38, 1-based): chr14:74,058,281, C>T on the plus strand (G>A on the coding strand, the complement: ALDH6A1 is on the minus strand). VCF-style: chr14-74058281-C-T. GRCh37 (hg19) VCF-style: chr14-74524984-C-T.
Other names: c.*2361G>A (NM_001278593.2, NM_001278594.2); c.1578+1023C>T (NM_025057.3).
Identifiers: ClinVar variation 884859 (VCV000884859.5), dbSNP rs112689182, ClinGen allele CA263533107.